The following is an entry in ClinVar:

NM_002693.3(POLG):c.1171-24C>T

Gene: POLG (DNA polymerase gamma, catalytic subunit; minus strand). Cytogenetic location: 15q26.1.
Variant type: single nucleotide variant.
Coding change: c.1171-24C>T on transcript NM_002693.3 (MANE Select); 24 bases into the intron before coding-DNA position 1171, C replaced by T.
Molecular consequence: intron variant.
Genome position (GRCh38, 1-based): chr15:89,328,559, G>A on the plus strand (C>T on the coding strand, the complement: POLG is on the minus strand). VCF-style: chr15-89328559-G-A. GRCh37 (hg19) VCF-style: chr15-89871790-G-A.
Other names: c.1171-24C>T (NM_001126131.2).
Identifiers: ClinVar variation 619350 (VCV000619350.1), dbSNP rs369293614, ClinGen allele CA7724925.
Genomic context (GRCh38, chr15:89,328,559, plus strand): 5'-TGGCCCACACGTCCTGGGCACAGTACTGCATCAGGTCCTGGCACAAGGTGACAGGAAGGC[G>A]CAAGGTGGGCAGCCATCCCATTACCACCACCAGCTCTCAGGGTCAGGCCTGGCAGCTGCA-3'

ClinVar aggregate classification (germline): Likely benign (1 of 4 stars; one submission).

Conditions:
Progressive sclerosing poliodystrophy (MTDPS4A). Also called: Alpers-Huttenlocher Syndrome (AHS); Alpers Syndrome; ALPERS PROGRESSIVE INFANTILE POLIODYSTROPHY; Mitochondrial DNA depletion syndrome 4A (Alpers type); ALPERS DIFFUSE DEGENERATION OF CEREBRAL GRAY MATTER WITH HEPATIC CIRRHOSIS; Alpers-Huttenlocher Syndrome. Identifiers: Orphanet 726, MedGen C0205710, MONDO:0008758, OMIM 203700.

Allele frequency attached by ClinVar (database versions not stated): TOPMed 0.00007; ESP Exome Variant Server 0.00008; gnomAD 0.00013; 1000 Genomes Project 0.00060; 1000 Genomes Project 30x 0.00062.
gnomAD v4.1: 264 of 1,610,178 alleles (0.016%); highest among the groups gnomAD compares: South Asian, 0.11%; 4 homozygotes.

Submission:

Wong Mito Lab, Molecular and Human Genetics, Baylor College of Medicine
Classification: Likely benign for Progressive sclerosing poliodystrophy. Last evaluated: 2018-10-01. Review status: criteria provided, single submitter. Criteria: ACMG Guidelines, 2015. Collection method: clinical testing. Allele origin: germline.
Comment: The NM_002693.2:c.1171-24C>T (NP_002684.1:p.=) [GRCH38: NC_000015.10:g.89328559G>A] variant in POLG gene is interpretated to be a Likely Benign based on ACMG guidelines (PMID: 25741868). This variant meets the following evidence codes reported in the ACMG-guideline. BP4:Computational evidence/predictors indicate no impact on the POLG structure, function, or protein-protein interaction. BP6:Reputable source(s) without shared data suggest the variant is benign. Based on the evidence criteria codes applied, the variant is suggested to be Likely Benign.